The following is an entry in ClinVar:

ClinVar aggregate classification (germline): Pathogenic (1 of 4 stars; one submission).

Conditions:
Autosomal recessive limb-girdle muscular dystrophy type 2F (LGMDR6). Also called: MUSCULAR DYSTROPHY, LIMB-GIRDLE, AUTOSOMAL RECESSIVE 6; Muscular dystrophy limb-girdle with delta-sarcoglyan deficiency. Identifiers: Orphanet 219, MedGen C1832525, MONDO:0011028, OMIM 601287. Disease mechanism: Affects gamma-sarcoglycan and also disrupts the integrity of the entire sarcoglycan complex..

Submission:

Labcorp Genetics (formerly Invitae), Labcorp
Classification: Pathogenic for Autosomal recessive limb-girdle muscular dystrophy type 2F. Last evaluated: 2022-10-13. Review status: criteria provided, single submitter. Criteria: Invitae Variant Classification Sherloc (09022015). Collection method: clinical testing. Allele origin: germline.
Comment: A gross deletion of the genomic region encompassing the full coding sequence of the SGCD gene has been identified. Loss-of-function variants in SGCD are known to be pathogenic (PMID: 8841194, 10735275, 10838250). The boundaries of this event are unknown as they extend beyond the assayed region for this gene and therefore may encompass additional genes. This variant has not been reported in the literature in individuals affected with SGCD-related conditions. For these reasons, this variant has been classified as Pathogenic.

Literature cited by the submitters: PubMed 8841194; PubMed 10735275; PubMed 10838250.

NC_000005.9:g.(?_155338082)_(156186411_?)del

Gene: SGCD (sarcoglycan delta; plus strand). Cytogenetic location: 5q33.2-33.3.
Variant type: Deletion.
Identifiers: ClinVar variation 832673 (VCV000832673.7).